The following is an entry in ClinVar:

ClinVar aggregate classification (germline): Pathogenic. Review status: criteria provided, multiple submitters, no conflicts (2 of 4 stars). 2 submissions from 2 submitters: Pathogenic (2). Last evaluated 2022-08-20.

Conditions:
Familial cancer of breast. Also called: BREAST CANCER, FAMILIAL; hereditary breast carcinoma; Hereditary breast cancer. Identifiers: Orphanet 227535, MedGen C0346153, MONDO:0016419, OMIM 114480. Disease mechanism: loss of function.
Fanconi anemia complementation group J. Also called: BRIP1-Related Fanconi Anemia. Identifiers: Orphanet 84, MedGen C1836860, MONDO:0012187, OMIM 609054.
Hereditary cancer-predisposing syndrome. Also called: Neoplastic Syndromes, Hereditary; Tumor predisposition; Hereditary neoplastic syndrome; Hereditary Cancer Syndrome. Identifiers: Orphanet 140162, MedGen C0027672, MeSH D009386, MONDO:0015356.

Submissions (2):

Labcorp Genetics (formerly Invitae), Labcorp
Classification: Pathogenic for Familial cancer of breast; Fanconi anemia complementation group J. Last evaluated: 2022-08-20. Review status: criteria provided, single submitter. Criteria: Invitae Variant Classification Sherloc (09022015). Collection method: clinical testing. Allele origin: germline.
Comment: For these reasons, this variant has been classified as Pathogenic. This variant has not been reported in the literature in individuals affected with BRIP1-related conditions. This variant is not present in population databases (gnomAD no frequency). This sequence change creates a premature translational stop signal (p.Ile902Thrfs*4) in the BRIP1 gene. It is expected to result in an absent or disrupted protein product. Loss-of-function variants in BRIP1 are known to be pathogenic (PMID: 16116423, 17033622, 21964575).

Ambry Genetics
Classification: Pathogenic for Hereditary cancer-predisposing syndrome. Last evaluated: 2022-06-13. Review status: criteria provided, single submitter. Criteria: Ambry Variant Classification Scheme 2023. Collection method: clinical testing. Allele origin: germline.
Comment: The c.2705_2706delTA pathogenic mutation, located in coding exon 18 of the BRIP1 gene, results from a deletion of two nucleotides at nucleotide positions 2705 to 2706, causing a translational frameshift with a predicted alternate stop codon (p.I902Tfs*4). This variant is considered to be rare based on population cohorts in the Genome Aggregation Database (gnomAD). This alteration is expected to result in loss of function by premature protein truncation or nonsense-mediated mRNA decay. As such, this alteration is interpreted as a disease-causing mutation.

Literature cited by the submitters: PubMed 16116423 (cited by Labcorp Genetics (formerly Invitae), Labcorp); PubMed 17033622 (cited by Labcorp Genetics (formerly Invitae), Labcorp); PubMed 21964575 (cited by Labcorp Genetics (formerly Invitae), Labcorp).

NM_032043.3(BRIP1):c.2705_2706del (p.Ile902fs)

Gene: BRIP1 (BRCA1 interacting DNA helicase 1; minus strand). Cytogenetic location: 17q23.2.
Variant type: Microsatellite.
Coding change: c.2705_2706del on transcript NM_032043.3 (MANE Select); coding-DNA positions 2705 to 2706, 2 bases deleted (TA; older notation c.2705_2706delTA).
Protein change: p.Ile902fs; shifts the reading frame from isoleucine 902.
Molecular consequence: frameshift variant.
Genome position (GRCh38, 1-based): chr17:61,686,035-61,686,036, TA deleted on the plus strand (TA on the coding strand, the reverse complement: BRIP1 is on the minus strand); deleting any 2 consecutive bases within chr17:61,686,035-61,686,039 gives the same sequence; the c. name uses the placement nearest the transcript's 3' end. VCF-style (leftmost placement, unchanged base first): chr17-61686034-GTA-G. GRCh37 (hg19) VCF-style: chr17-59763395-GTA-G.
Other names: c.2702_2703AT[1], p.Ile902Thrfs (NM_032043.2); c.2705_2706delTA (NM_032043.2); short protein forms I902fs.
Identifiers: ClinVar variation 1794970 (VCV001794970.7), dbSNP rs2544572786, ClinGen allele CA2580613185.